The following is an entry in ClinVar:

NC_000003.11:g.(?_136002659)_(136002809_?)del

Gene: PCCB (propionyl-CoA carboxylase subunit beta; plus strand). Cytogenetic location: 3q22.3.
Variant type: Deletion.
Identifiers: ClinVar variation 1499059 (VCV001499059.6).

ClinVar aggregate classification (germline): Likely pathogenic (1 of 4 stars; one submission).

Conditions:
Propionic acidemia (PROP). Also called: GLYCINEMIA, KETOTIC; HYPERGLYCINEMIA WITH KETOACIDOSIS AND LEUKOPENIA; KETOTIC HYPERGLYCINEMIA. Identifiers: Orphanet 35, MedGen C0268579, MONDO:0011628, OMIM 606054, HP:0003571.

Submission:

Labcorp Genetics (formerly Invitae), Labcorp
Classification: Likely pathogenic for Propionic acidemia. Last evaluated: 2021-09-23. Review status: criteria provided, single submitter. Criteria: Invitae Variant Classification Sherloc (09022015). Collection method: clinical testing. Allele origin: germline.
Comment: In summary, the currently available evidence indicates that the variant is pathogenic, but additional data are needed to prove that conclusively. Therefore, this variant has been classified as Likely Pathogenic. This variant disrupts the p.Val205 amino acid residue in PCCB. Other variant(s) that disrupt this residue have been determined to be pathogenic (PMID: 10447268, 12007220, 12757933). This suggests that this residue is clinically significant, and that variants that disrupt this residue are likely to be disease-causing. This variant has not been reported in the literature in individuals with PCCB-related conditions. This variant is a gross deletion of the genomic region encompassing exon(s) 6 of the PCCB gene. This variant would be expected to be in-frame, preserving the integrity of the reading frame.

Literature cited by the submitters: PubMed 10447268; PubMed 12007220; PubMed 12757933.